The following is an entry in ClinVar:

ClinVar aggregate classification (germline): Uncertain significance (1 of 4 stars; one submission).

Conditions:
Hereditary breast ovarian cancer syndrome. Also called: Hereditary breast and ovarian cancer syndrome; BRCA1- and BRCA2-Associated Hereditary Breast and Ovarian Cancer; Hereditary breast and ovarian cancer; Hereditary breast and/or ovarian cancer syndrome; Hereditary breast and ovarian cancer syndrome (HBOC); Breast and ovarian cancer. Identifiers: Orphanet 145, MedGen C0677776, MeSH D061325, MONDO:0003582. Disease mechanism: loss of function.

Submission:

Labcorp Genetics (formerly Invitae), Labcorp
Classification: Uncertain significance for Hereditary breast ovarian cancer syndrome. Last evaluated: 2022-03-14. Review status: criteria provided, single submitter. Criteria: Invitae Variant Classification Sherloc (09022015). Collection method: clinical testing. Allele origin: germline.
Comment: In summary, the available evidence is currently insufficient to determine the role of this variant in disease. Therefore, it has been classified as a Variant of Uncertain Significance. Advanced modeling of protein sequence and biophysical properties (such as structural, functional, and spatial information, amino acid conservation, physicochemical variation, residue mobility, and thermodynamic stability) performed at Invitae indicates that this missense variant is not expected to disrupt BRCA2 protein function. This variant has not been reported in the literature in individuals affected with BRCA2-related conditions. This variant is not present in population databases (gnomAD no frequency). This sequence change replaces aspartic acid, which is acidic and polar, with tyrosine, which is neutral and polar, at codon 3261 of the BRCA2 protein (p.Asp3261Tyr).

NM_000059.4(BRCA2):c.9781G>T (p.Asp3261Tyr)

Gene: BRCA2 (BRCA2 DNA repair associated; plus strand). Cytogenetic location: 13q13.1.
Variant type: single nucleotide variant.
Coding change: c.9781G>T on transcript NM_000059.4 (MANE Select); coding-DNA position 9781, G replaced by T.
Protein change: p.Asp3261Tyr; replaces aspartic acid 3261 with tyrosine.
Molecular consequence: missense variant.
Genome position (GRCh38, 1-based): chr13:32,398,294, G>T. VCF-style: chr13-32398294-G-T. GRCh37 (hg19) VCF-style: chr13-32972431-G-T.
Other names: c.9685G>T, p.Asp3229Tyr (NM_001406719.1); c.9730G>T, p.Asp3244Tyr (NM_001406720.1); c.4849G>T, p.Asp1617Tyr (NM_001406721.1); c.3364G>T, p.Asp1122Tyr (NM_001406722.1); short protein forms D3261Y, D1122Y, D1617Y, D3244Y, D3229Y.
Identifiers: ClinVar variation 2111744 (VCV002111744.4), dbSNP rs2073050972, ClinGen allele CA387765912.